The following is an entry in ClinVar:

ClinVar aggregate classification (germline): Likely pathogenic. Review status: criteria provided, multiple submitters, no conflicts (2 of 4 stars). 2 submissions from 2 submitters: Likely pathogenic (2). Last evaluated 2026-01-05.

Conditions:
Hypertrophic cardiomyopathy. Also called: HYPERTROPHIC MYOCARDIOPATHY. Identifiers: Orphanet 217569, MedGen C0007194, MeSH D002312, MONDO:0005045, HP:0001639.

Submissions (2):

Labcorp Genetics (formerly Invitae), Labcorp
Classification: Likely pathogenic for Hypertrophic cardiomyopathy. Last evaluated: 2026-01-05. Review status: criteria provided, single submitter. Criteria: Invitae Variant Classification Sherloc (09022015). Collection method: clinical testing. Allele origin: germline.
Comment: This sequence change replaces lysine, which is basic and polar, with threonine, which is neutral and polar, at codon 351 of the MYH7 protein (p.Lys351Thr). This variant is not present in population databases (gnomAD no frequency). This variant has not been reported in the literature in individuals affected with MYH7-related conditions. ClinVar contains an entry for this variant (Variation ID: 449068). Invitae Evidence Modeling of protein sequence and biophysical properties (such as structural, functional, and spatial information, amino acid conservation, physicochemical variation, residue mobility, and thermodynamic stability) indicates that this missense variant is expected to disrupt MYH7 protein function with a positive predictive value of 95%. This variant disrupts the p.Lys351 amino acid residue in MYH7. Other variant(s) that disrupt this residue have been determined to be pathogenic (PMID: 12820698, 28615295; internal data). This suggests that this residue is clinically significant, and that variants that disrupt this residue are likely to be disease-causing. In summary, the currently available evidence indicates that the variant is pathogenic, but additional data are needed to prove that conclusively. Therefore, this variant has been classified as Likely Pathogenic.

GeneDx
Classification: Likely pathogenic. Last evaluated: 2022-04-25. Review status: criteria provided, single submitter. Criteria: GeneDx Variant Classification Process June 2021. Collection method: clinical testing. Allele origin: germline. Affected: yes.
Comment: Has not been previously published as pathogenic or benign to our knowledge; Not observed at significant frequency in large population cohorts (gnomAD); In silico analysis supports that this missense variant has a deleterious effect on protein structure/function; In silico analysis suggests this variant may impact gene splicing. In the absence of RNA/functional studies, the actual effect of this sequence change is unknown.; This variant is associated with the following publications: (PMID: 27532257, 29300372)

Literature cited by the submitters: PubMed 12820698 (cited by Labcorp Genetics (formerly Invitae), Labcorp); PubMed 28615295 (cited by Labcorp Genetics (formerly Invitae), Labcorp).

NM_000257.4(MYH7):c.1052A>C (p.Lys351Thr)

Gene: MYH7 (myosin heavy chain 7; minus strand). Cytogenetic location: 14q11.2.
Variant type: single nucleotide variant.
Coding change: c.1052A>C on transcript NM_000257.4 (MANE Select); coding-DNA position 1052, A replaced by C.
Protein change: p.Lys351Thr; replaces lysine 351 with threonine.
Molecular consequence: missense variant.
Genome position (GRCh38, 1-based): chr14:23,429,861, T>G on the plus strand (A>C on the coding strand, the complement: MYH7 is on the minus strand). VCF-style: chr14-23429861-T-G. GRCh37 (hg19) VCF-style: chr14-23899070-T-G.
Other names: c.1052A>C (LRG_384t1); short protein forms K351T.
Identifiers: ClinVar variation 449068 (VCV000449068.8), dbSNP rs1555338462, ClinGen allele CA389051463.